The following is an entry in ClinVar:

ClinVar aggregate classification (germline): Conflicting classifications of pathogenicity. Review status: criteria provided, conflicting classifications (1 of 4 stars). 11 submissions from 10 submitters: Uncertain significance (9); Likely benign (2). Last evaluated 2026-01-26.

Conditions:
Arrhythmogenic right ventricular dysplasia 12. Also called: ARRHYTHMOGENIC RIGHT VENTRICULAR DYSPLASIA, FAMILIAL, 12. Identifiers: MedGen C1969081, MONDO:0012684, OMIM 611528.
Naxos disease (NXD). Also called: CARDIOMYOPATHY, ARRHYTHMOGENIC RIGHT VENTRICULAR, WITH SKIN, HAIR, AND NAIL ABNORMALITIES; KERATOSIS PALMOPLANTARIS WITH ARRHYTHMOGENIC CARDIOMYOPATHY; MAL DE NAXOS; PALMOPLANTAR KERATODERMA WITH ARRHYTHMOGENIC RIGHT VENTRICULAR CARDIOMYOPATHY AND WOOLLY HAIR; WOOLLY HAIR, PALMOPLANTAR KERATODERMA, AND CARDIAC ABNORMALITIES. Identifiers: Orphanet 34217, MedGen C1832600, MONDO:0011017, OMIM 601214.
Cardiovascular phenotype. Identifiers: MedGen CN230736.
Cardiomyopathy (CMYO). Also called: Cardiomyopathies. Identifiers: Orphanet 167848, MedGen C0878544, MONDO:0004994, HP:0001638. Inheritance: Various modes of inheritance.

Allele frequency attached by ClinVar (database versions not stated): ExAC 0.00008; gnomAD exomes 0.00010 and 0.00019; TOPMed 0.00014; ESP Exome Variant Server 0.00015; gnomAD 0.00018 and 0.00019.
gnomAD v4.1: 304 of 1,613,856 alleles (0.019%); highest among the groups gnomAD compares: Non-Finnish European, 0.024%; 1 homozygote.

Submissions (11):

Labcorp Genetics (formerly Invitae), Labcorp
Classification: Uncertain significance for Arrhythmogenic right ventricular dysplasia 12; Naxos disease. Last evaluated: 2026-01-26. Review status: criteria provided, single submitter. Criteria: Invitae Variant Classification Sherloc (09022015). Collection method: clinical testing. Allele origin: germline.
Comment: This sequence change replaces asparagine, which is neutral and polar, with serine, which is neutral and polar, at codon 690 of the JUP protein (p.Asn690Ser). This variant is present in population databases (rs147628503, gnomAD 0.02%). This missense change has been observed in individual(s) with JUP-related conditions (PMID: 23396983, 25351510, 32268277). ClinVar contains an entry for this variant (Variation ID: 163710). An algorithm developed to predict the effect of missense changes on protein structure and function (PolyPhen-2) suggests that this variant is likely to be tolerated. In summary, the available evidence is currently insufficient to determine the role of this variant in disease. Therefore, it has been classified as a Variant of Uncertain Significance.

Molecular Diagnostic Laboratory for Inherited Cardiovascular Disease, Montreal Heart Institute
Classification: Likely benign. Last evaluated: 2025-04-09. Review status: criteria provided, single submitter. Criteria: ACMG Guidelines, 2015. Collection method: clinical testing. Allele origin: germline. Affected: no.
Comment: BP4

Blueprint Genetics
Classification: Uncertain significance. Last evaluated: 2024-07-01. Review status: criteria provided, single submitter. Criteria: ACMG Guidelines, 2015. Collection method: clinical testing. Allele origin: germline.

GeneDx
Classification: Uncertain significance. Last evaluated: 2024-05-20. Review status: criteria provided, single submitter. Criteria: GeneDx Variant Classification Process June 2021. Collection method: clinical testing. Allele origin: germline. Affected: yes.
Comment: Identified in a patient with hypertrophic cardiomyopathy and a patient with arrhythmogenic cardiomyopathy (PMID: 32268277, 25351510); Reported in the published literature as possibly associated with autism spectrum disorder, but no additional information was provided (PMID: 25363768); One published functional study suggests the p.(N690S) has no effect on splicing and a second published study utilizing Drosophila mutants showed phenotypes comparable to the reference (PMID: 35051175, 35294868); In silico analysis indicates that this missense variant does not alter protein structure/function; This variant is associated with the following publications: (PMID: 34011629, 25351510, 35294868, 35051175, 31133750, 35982159, 32268277, 25363768, 29892012)

Ambry Genetics
Classification: Likely benign for Cardiovascular phenotype. Last evaluated: 2022-04-11. Review status: criteria provided, single submitter. Criteria: Ambry Variant Classification Scheme 2023. Collection method: clinical testing. Allele origin: germline.

CHEO Genetics Diagnostic Laboratory, Children's Hospital of Eastern Ontario
Classification: Uncertain significance for Cardiomyopathy. Last evaluated: 2022-02-25. Review status: criteria provided, single submitter. Criteria: ACMG Guidelines, 2015. Collection method: clinical testing. Allele origin: germline.

Victorian Clinical Genetics Services, Murdoch Childrens Research Institute
Classification: Uncertain significance for Arrhythmogenic right ventricular dysplasia 12. Last evaluated: 2022-02-02. Review status: criteria provided, single submitter. Criteria: ACMG Guidelines, 2015. Collection method: clinical testing. Allele origin: germline. Inheritance: Autosomal dominant inheritance. Affected: yes.
Comment: Based on the classification scheme VCGS_Germline_v1.3.4, this variant is classified as VUS-3C. Following criteria are met: 0102 - Loss of function is a known mechanism of disease in this gene and is associated with arrhythmogenic right ventricular dysplasia 12 (MIM#611528) and Naxos disease (MIM#601214). (I) 0108 - This gene is associated with both recessive and dominant disease. Arrhythmogenic right ventricular dysplasia 12 (MIM#611528) is caused by dominant variants, while Naxos disease (MIM#601214) is caused by recessively inherited variants (OMIM). (I) 0200 - Variant is predicted to result in a missense amino acid change from asparagine to serine. (I) 0251 - This variant is heterozygous. (I) 0302 - Variant is present in gnomAD (v2) <0.001 for a dominant condition (29 heterozygotes, 0 homozygotes). (SP) 0503 - Missense variant consistently predicted to be tolerated by multiple in silico tools or not conserved in placental mammals with a minor amino acid change. (SB) 0604 - Variant is not located in an established domain, motif, hotspot or informative constraint region. (I) 0705 - No comparable missense variants have previous evidence for pathogenicity. (I) 0809 - Previous evidence of pathogenicity for this variant is inconclusive. This variant has been reported mostly as a VUS, but also as likely benign and benign (LOVD, ClinVar). Additionally, it has been observed once in a cohort of individuals with hypertrophic cardiomyopathy (PMID: 23396983, PMID: 25351510), and in another individual with arrhythmogenic right ventricular dysplasia (PMID: 32268277). (I) 0905 - No published segregation evidence has been identified for this variant. (I) 1007 - No published functional evidence has been identified for this variant. (I) 1208 - Inheritance information for this variant is not currently available in this individual. (I) Legend: (SP) - Supporting pathogenic, (I) - Information, (SB) - Supporting benign

Fulgent Genetics
Classification: Uncertain significance for Naxos disease; Arrhythmogenic right ventricular dysplasia 12. Last evaluated: 2021-09-15. Review status: criteria provided, single submitter. Criteria: ACMG Guidelines, 2015. Collection method: clinical testing. Allele origin: unknown.

Laboratory for Molecular Medicine, Mass General Brigham Personalized Medicine
Classification: Uncertain significance. Last evaluated: 2019-04-12. Review status: criteria provided, single submitter. Criteria: LMM Criteria. Collection method: clinical testing. Allele origin: germline. Observed: 2 variant alleles.
Comment: proposed classification - variant undergoing re-assessment, contact laboratory

Illumina Laboratory Services, Illumina
Classification: Uncertain significance for Arrhythmogenic right ventricular dysplasia 12. Last evaluated: 2018-01-13. Review status: criteria provided, single submitter. Criteria: ICSL Variant Classification Criteria 13 December 2019. Collection method: clinical testing. Allele origin: germline.

Illumina Laboratory Services, Illumina
Classification: Uncertain significance for Naxos disease. Last evaluated: 2018-01-13. Review status: criteria provided, single submitter. Criteria: ICSL Variant Classification Criteria 13 December 2019. Collection method: clinical testing. Allele origin: germline.

Literature cited by the submitters: PubMed 23396983 (cited by Labcorp Genetics (formerly Invitae), Labcorp and Victorian Clinical Genetics Services, Murdoch Childrens Research Institute); PubMed 25351510 (cited by 3 submitters); PubMed 32268277 (cited by 3 submitters); PubMed 25363768 (cited by Ambry Genetics); PubMed 29892012 (cited by Ambry Genetics); PubMed 34011629 (cited by Ambry Genetics).

NM_002230.4(JUP):c.2069A>G (p.Asn690Ser)

Gene: JUP (junction plakoglobin; minus strand). Cytogenetic location: 17q21.2.
Variant type: single nucleotide variant.
Coding change: c.2069A>G on transcript NM_002230.4 (MANE Select); coding-DNA position 2069, A replaced by G.
Protein change: p.Asn690Ser; replaces asparagine 690 with serine.
Molecular consequence: missense variant.
Genome position (GRCh38, 1-based): chr17:41,756,192, T>C on the plus strand (A>G on the coding strand, the complement: JUP is on the minus strand). VCF-style: chr17-41756192-T-C. GRCh37 (hg19) VCF-style: chr17-39912444-T-C.
Other names: p.N690S:AAT>AGT; c.2069A>G, p.Asn690Ser (NM_001352773.2, NM_001352774.2, NM_001352775.2 and 3 more transcripts); c.2069A>G (NM_002230.3); short protein forms N690S.
Identifiers: ClinVar variation 163710 (VCV000163710.25), dbSNP rs147628503, ClinGen allele CA176374.